The following is an entry in ClinVar:

NM_133261.3(GIPC3):c.*215C>T

Gene: GIPC3 (GIPC PDZ domain containing family member 3; plus strand). Cytogenetic location: 19p13.3.
Variant type: single nucleotide variant.
Coding change: c.*215C>T on transcript NM_133261.3 (MANE Select); 215 bases downstream of the stop codon, C replaced by T.
Molecular consequence: 3 prime UTR variant.
Genome position (GRCh38, 1-based): chr19:3,590,405, C>T. VCF-style: chr19-3590405-C-T. GRCh37 (hg19) VCF-style: chr19-3590403-C-T.
Identifiers: ClinVar variation 1176705 (VCV001176705.36), dbSNP rs11668656, ClinGen allele CA304418046.

ClinVar aggregate classification (germline): Likely benign. Review status: criteria provided, multiple submitters, no conflicts (2 of 4 stars). 2 submissions from 2 submitters: Likely benign (2). Last evaluated 2026-06-01.

Allele frequency attached by ClinVar (database versions not stated): 1000 Genomes Project 30x 0.00156; 1000 Genomes Project 0.00180; TOPMed 0.00401; gnomAD 0.00459 and 0.00471; gnomAD exomes 0.00720.
gnomAD v4.1: 9,885 of 1,432,710 alleles (0.69%); highest among the groups gnomAD compares: Non-Finnish European, 0.84%; 49 homozygotes.

Submissions (2):

CeGaT Center for Human Genetics Tuebingen
Classification: Likely benign. Last evaluated: 2026-06-01. Review status: criteria provided, single submitter. Criteria: CeGaT Center For Human Genetics Tuebingen Variant Classification Criteria Version 2. Collection method: clinical testing. Allele origin: germline. Affected: yes. Observed: 8 variant alleles.
Comment: GIPC3: BP4, BP7, BS2

Breakthrough Genomics
Classification: Likely benign. Review status: criteria provided, single submitter. Criteria: ACMG Guidelines, 2015. Collection method: not provided. Allele origin: germline. Inheritance: Autosomal recessive inheritance. Affected: yes.